The following is an entry in ClinVar:

ClinVar aggregate classification (germline): Uncertain significance. Review status: criteria provided, multiple submitters, no conflicts (2 of 4 stars). 2 submissions from 2 submitters: Uncertain significance (2). Last evaluated 2025-06-15.

Conditions:
Inborn genetic diseases. Identifiers: MedGen C0950123, MeSH D030342.

gnomAD v4.1: 1 of 1,614,194 alleles (0.000062%); highest among the groups gnomAD compares: Middle Eastern, 0.016%; no homozygotes.

Submissions (2):

GeneDx
Classification: Uncertain significance. Last evaluated: 2025-06-15. Review status: criteria provided, single submitter. Criteria: GeneDx Variant Classification Process June 2021. Collection method: clinical testing. Allele origin: germline. Affected: yes.
Comment: Not observed at significant frequency in large population cohorts (gnomAD); In silico analysis suggests that this missense variant does not alter protein structure/function; Has not been previously published as pathogenic or benign to our knowledge

Ambry Genetics
Classification: Uncertain significance for Inborn genetic diseases. Last evaluated: 2024-03-04. Review status: criteria provided, single submitter. Criteria: Ambry Variant Classification Scheme 2023. Collection method: clinical testing. Allele origin: germline.

NM_000875.5(IGF1R):c.1954C>A (p.Pro652Thr)

Gene: IGF1R (insulin like growth factor 1 receptor; plus strand). Cytogenetic location: 15q26.3.
Variant type: single nucleotide variant.
Coding change: c.1954C>A on transcript NM_000875.5 (MANE Select); coding-DNA position 1954, C replaced by A.
Protein change: p.Pro652Thr; replaces proline 652 with threonine.
Molecular consequence: missense variant.
Genome position (GRCh38, 1-based): chr15:98,916,089, C>A. VCF-style: chr15-98916089-C-A. GRCh37 (hg19) VCF-style: chr15-99459318-C-A.
Other names: c.1954C>A, p.Pro652Thr (NM_001291858.2); short protein forms P652T.
Identifiers: ClinVar variation 3108523 (VCV003108523.2), dbSNP rs1427895738, ClinGen allele CA393679874.